The following is an entry in ClinVar:

NM_177402.5(SYT2):c.1211C>T (p.Ser404Leu)

Gene: SYT2 (synaptotagmin 2; minus strand). Cytogenetic location: 1q32.1.
Variant type: single nucleotide variant.
Coding change: c.1211C>T on transcript NM_177402.5 (MANE Select); coding-DNA position 1211, C replaced by T.
Protein change: p.Ser404Leu; replaces serine 404 with leucine.
Molecular consequence: missense variant.
Genome position (GRCh38, 1-based): chr1:202,596,806, G>A on the plus strand (C>T on the coding strand, the complement: SYT2 is on the minus strand). VCF-style: chr1-202596806-G-A. GRCh37 (hg19) VCF-style: chr1-202565934-G-A.
Other names: c.1211C>T, p.Ser404Leu (NM_001136504.1); short protein forms S404L.
Identifiers: ClinVar variation 3694295 (VCV003694295.2).

ClinVar aggregate classification (germline): Uncertain significance (1 of 4 stars; one submission).

gnomAD v4.1: 8 of 1,614,054 alleles (0.0005%); highest among the groups gnomAD compares: African/African-American, 0.0013%; no homozygotes.

Submission:

Labcorp Genetics (formerly Invitae), Labcorp
Classification: Uncertain significance. Last evaluated: 2024-10-10. Review status: criteria provided, single submitter. Criteria: Invitae Variant Classification Sherloc (09022015). Collection method: clinical testing. Allele origin: germline.
Comment: This sequence change replaces serine, which is neutral and polar, with leucine, which is neutral and non-polar, at codon 404 of the SYT2 protein (p.Ser404Leu). This variant is not present in population databases (gnomAD no frequency). This variant has not been reported in the literature in individuals affected with SYT2-related conditions. Invitae Evidence Modeling of protein sequence and biophysical properties (such as structural, functional, and spatial information, amino acid conservation, physicochemical variation, residue mobility, and thermodynamic stability) indicates that this missense variant is not expected to disrupt SYT2 protein function with a negative predictive value of 80%. In summary, the available evidence is currently insufficient to determine the role of this variant in disease. Therefore, it has been classified as a Variant of Uncertain Significance.